The following is an entry in ClinVar:

ClinVar aggregate classification (germline): Uncertain significance (1 of 4 stars; one submission).

Allele frequency attached by ClinVar (database versions not stated): TOPMed below 0.00001; gnomAD exomes 0.00001.
gnomAD v4.1: 6 of 1,614,136 alleles (0.00037%); highest among the groups gnomAD compares: Non-Finnish European, 0.00051%; no homozygotes.

Submission:

Labcorp Genetics (formerly Invitae), Labcorp
Classification: Uncertain significance. Last evaluated: 2024-10-21. Review status: criteria provided, single submitter. Criteria: Invitae Variant Classification Sherloc (09022015). Collection method: clinical testing. Allele origin: germline.
Comment: This sequence change falls in intron 4 of the LIG1 gene. It does not directly change the encoded amino acid sequence of the LIG1 protein. It affects a nucleotide within the consensus splice site. This variant is not present in population databases (gnomAD no frequency). This variant has not been reported in the literature in individuals affected with LIG1-related conditions. ClinVar contains an entry for this variant (Variation ID: 2109088). Variants that disrupt the consensus splice site are a relatively common cause of aberrant splicing (PMID: 17576681, 9536098). Algorithms developed to predict the effect of sequence changes on RNA splicing suggest that this variant is not likely to affect RNA splicing. In summary, the available evidence is currently insufficient to determine the role of this variant in disease. Therefore, it has been classified as a Variant of Uncertain Significance.

Literature cited by the submitters: PubMed 17576681; PubMed 9536098.

NM_000234.3(LIG1):c.243+4G>C

Gene: LIG1 (DNA ligase 1; minus strand). Cytogenetic location: 19q13.33.
Variant type: single nucleotide variant.
Coding change: c.243+4G>C on transcript NM_000234.3 (MANE Select); 4 bases into the intron after coding-DNA position 243, G replaced by C.
Molecular consequence: intron variant.
Genome position (GRCh38, 1-based): chr19:48,161,368, C>G on the plus strand (G>C on the coding strand, the complement: LIG1 is on the minus strand). VCF-style: chr19-48161368-C-G. GRCh37 (hg19) VCF-style: chr19-48664625-C-G.
Other names: c.153+4G>C (NM_001289063.2, NM_001320971.2); c.243+4G>C (NM_001289064.2, NM_001320970.2).
Identifiers: ClinVar variation 2109088 (VCV002109088.4), dbSNP rs2036166658, ClinGen allele CA2339764905.